The following is an entry in ClinVar:

NM_001253852.3(AP4B1):c.13G>A (p.Gly5Ser)

Genes: AP4B1 (adaptor related protein complex 4 subunit beta 1; minus strand), DCLRE1B (DNA cross-link repair 1B; plus strand), LOC129931235 (ATAC-STARR-seq lymphoblastoid active region 1540; plus strand). Cytogenetic location: 1p13.2.
Variant type: single nucleotide variant.
Coding change: c.13G>A on transcript NM_001253852.3 (MANE Select); coding-DNA position 13, G replaced by A.
Protein change: p.Gly5Ser; replaces glycine 5 with serine.
Molecular consequence: missense variant. On other transcripts: 5 prime UTR variant (2).
Genome position (GRCh38, 1-based): chr1:113,904,705, C>T on the plus strand (G>A on the coding strand, the complement: AP4B1 is on the minus strand). VCF-style: chr1-113904705-C-T. GRCh37 (hg19) VCF-style: chr1-114447327-C-T.
Other names: c.-157G>A (NM_001253853.3); c.13G>A, p.Gly5Ser (NM_001308312.2, NM_001437822.1, NM_001438373.1 and 7 more transcripts); c.-334C>T (NM_001319947.2); short protein forms G5S.
Identifiers: ClinVar variation 854203 (VCV000854203.7), dbSNP rs370101262, ClinGen allele CA1016225.

ClinVar aggregate classification (germline): Uncertain significance (1 of 4 stars; one submission).

Conditions:
Hereditary spastic paraplegia 47. Also called: CEREBRAL PALSY, SPASTIC QUADRIPLEGIC, 5; Spastic paraplegia 47, autosomal recessive; adaptor protein 4 (AP-4) deficiency syndrome. Identifiers: Orphanet 280763, MedGen C3279738, MONDO:0013551, OMIM 614066.

Allele frequency attached by ClinVar (database versions not stated): gnomAD 0.00005; gnomAD exomes 0.00005; TOPMed 0.00003; ExAC 0.00006; ESP Exome Variant Server 0.00008.
gnomAD v4.1: 79 of 1,612,226 alleles (0.0049%); highest among the groups gnomAD compares: Non-Finnish European, 0.0064%; no homozygotes.

Submission:

Labcorp Genetics (formerly Invitae), Labcorp
Classification: Uncertain significance for Hereditary spastic paraplegia 47. Last evaluated: 2022-05-06. Review status: criteria provided, single submitter. Criteria: Invitae Variant Classification Sherloc (09022015). Collection method: clinical testing. Allele origin: germline.
Comment: This variant has not been reported in the literature in individuals affected with AP4B1-related conditions. This variant is present in population databases (rs370101262, gnomAD 0.01%). This sequence change replaces glycine, which is neutral and non-polar, with serine, which is neutral and polar, at codon 5 of the AP4B1 protein (p.Gly5Ser). ClinVar contains an entry for this variant (Variation ID: 854203). In summary, the available evidence is currently insufficient to determine the role of this variant in disease. Therefore, it has been classified as a Variant of Uncertain Significance. Algorithms developed to predict the effect of missense changes on protein structure and function are either unavailable or do not agree on the potential impact of this missense change (SIFT: "Tolerated"; PolyPhen-2: "Possibly Damaging"; Align-GVGD: "Class C0").